The following is an entry in ClinVar:

ClinVar aggregate classification (germline): Uncertain significance (1 of 4 stars; one submission).

Conditions:
Hereditary cancer-predisposing syndrome. Also called: Neoplastic Syndromes, Hereditary; Tumor predisposition; Hereditary Cancer Syndrome; Hereditary neoplastic syndrome. Identifiers: Orphanet 140162, MedGen C0027672, MeSH D009386, MONDO:0015356.

Submission:

Ambry Genetics
Classification: Uncertain significance for Hereditary cancer-predisposing syndrome. Last evaluated: 2017-03-22. Review status: criteria provided, single submitter. Criteria: Ambry Variant Classification Scheme 2023. Collection method: clinical testing. Allele origin: germline.
Comment: The p.N2460H variant (also known as c.7378A>C), located in coding exon 13 of the BRCA2 gene, results from an A to C substitution at nucleotide position 7378. The asparagine at codon 2460 is replaced by histidine, an amino acid with similar properties. This amino acid position is poorly conserved in available vertebrate species. In addition, this alteration is predicted to be tolerated by in silico analysis. Since supporting evidence is limited at this time, the clinical significance of this variant remains unclear.

NM_000059.4(BRCA2):c.7378A>C (p.Asn2460His)

Gene: BRCA2 (BRCA2 DNA repair associated; plus strand). Cytogenetic location: 13q13.1.
Variant type: single nucleotide variant.
Coding change: c.7378A>C on transcript NM_000059.4 (MANE Select); coding-DNA position 7378, A replaced by C.
Protein change: p.Asn2460His; replaces asparagine 2460 with histidine.
Molecular consequence: missense variant.
Genome position (GRCh38, 1-based): chr13:32,355,231, A>C. VCF-style: chr13-32355231-A-C. GRCh37 (hg19) VCF-style: chr13-32929368-A-C.
Other names: short protein forms N2460H.
Identifiers: ClinVar variation 483074 (VCV000483074.5), dbSNP rs1555286092, ClinGen allele CA387741653.